The following is an entry in ClinVar:

NM_001382391.1(CSPP1):c.3405T>G (p.Leu1135=)

Genes: ARFGEF1 (ARF guanine nucleotide exchange factor 1; minus strand), CSPP1 (centrosome and spindle pole associated protein 1; plus strand). Cytogenetic location: 8q13.2.
Variant type: single nucleotide variant.
Coding change: c.3405T>G on transcript NM_001382391.1 (MANE Select); coding-DNA position 3405, T replaced by G.
Protein change: p.Leu1135=; no amino-acid change (leucine 1135 retained).
Molecular consequence: synonymous variant. On other transcripts: intron variant (3).
Genome position (GRCh38, 1-based): chr8:67,193,538, T>G. VCF-style: chr8-67193538-T-G. GRCh37 (hg19) VCF-style: chr8-68105773-T-G.
Other names: c.2355T>G, p.Leu785= (NM_001291339.2); c.3324T>G, p.Leu1108= (NM_001363131.2); c.3210T>G, p.Leu1070= (NM_001363132.2); c.3129T>G, p.Leu1043= (NM_001363133.2); c.3471T>G, p.Leu1157= (NM_001364869.1); c.3291T>G, p.Leu1097= (NM_001364870.1); c.3237T>G, p.Leu1079= (NM_001438330.1); c.2706T>G, p.Leu902= (NM_001438332.1); and 4 more.
Identifiers: ClinVar variation 390528 (VCV000390528.37), dbSNP rs376215036, ClinGen allele CA4771163.

ClinVar aggregate classification (germline): Likely benign. Review status: criteria provided, multiple submitters, no conflicts (2 of 4 stars). 5 submissions from 5 submitters: Likely benign (4). 1 of the submissions does not count toward it. Last evaluated 2026-08-01.

Conditions:
Joubert syndrome 21 (JBTS21). Identifiers: MedGen C3810212, MONDO:0014288, OMIM 615636.
CSPP1-related disorder. Also called: CSPP1-related condition.

Allele frequency attached by ClinVar (database versions not stated): gnomAD 0.00003; gnomAD exomes 0.00004 and 0.00007; TOPMed 0.00002; ExAC 0.00008; ESP Exome Variant Server 0.00008.
gnomAD v4.1: 68 of 1,613,386 alleles (0.0042%); highest among the groups gnomAD compares: Admixed American, 0.01%; no homozygotes.

Submissions (5):

CeGaT Center for Human Genetics Tuebingen
Classification: Likely benign. Last evaluated: 2026-08-01. Review status: criteria provided, single submitter. Criteria: CeGaT Center For Human Genetics Tuebingen Variant Classification Criteria Version 2. Collection method: clinical testing. Allele origin: germline. Affected: yes. Observed: 3 variant alleles.
Comment: CSPP1: BP4, BP7

Labcorp Genetics (formerly Invitae), Labcorp
Classification: Likely benign for Joubert syndrome 21. Last evaluated: 2025-10-18. Review status: criteria provided, single submitter. Criteria: Invitae Variant Classification Sherloc (09022015). Collection method: clinical testing. Allele origin: germline.

Blueprint Genetics
Classification: Likely benign. Last evaluated: 2024-11-22. Review status: criteria provided, single submitter. Criteria: ACMG Guidelines, 2015. Collection method: clinical testing. Allele origin: germline.

GeneDx
Classification: Likely benign. Last evaluated: 2016-11-01. Review status: criteria provided, single submitter. Criteria: GeneDx Variant Classification (06012015). Collection method: clinical testing. Allele origin: germline. Affected: yes.
Comment: This variant is considered likely benign or benign based on one or more of the following criteria: it is a conservative change, it occurs at a poorly conserved position in the protein, it is predicted to be benign by multiple in silico algorithms, and/or has population frequency not consistent with disease.

PreventionGenetics, part of Exact Sciences
Classification: Likely benign for CSPP1-related condition. Last evaluated: 2019-11-01. Review status: no assertion criteria provided. Collection method: clinical testing. Allele origin: germline. Not counted in ClinVar's aggregate classification.
Comment: This variant is classified as likely benign based on ACMG/AMP sequence variant interpretation guidelines (Richards et al. 2015 PMID: 25741868, with internal and published modifications).